The following is an entry in ClinVar:

NM_004963.4(GUCY2C):c.1207A>G (p.Lys403Glu)

Genes: GUCY2C (guanylate cyclase 2C; minus strand), GUCY2C-AS1 (GUCY2C antisense RNA 1; plus strand). Cytogenetic location: 12p12.3.
Variant type: single nucleotide variant.
Coding change: c.1207A>G on transcript NM_004963.4 (MANE Select); coding-DNA position 1207, A replaced by G.
Protein change: p.Lys403Glu; replaces lysine 403 with glutamic acid.
Molecular consequence: missense variant.
Genome position (GRCh38, 1-based): chr12:14,669,797, T>C on the plus strand (A>G on the coding strand, the complement: GUCY2C is on the minus strand). VCF-style: chr12-14669797-T-C. GRCh37 (hg19) VCF-style: chr12-14822731-T-C.
Other names: short protein forms K403E.
Identifiers: ClinVar variation 3689770 (VCV003689770.2).

ClinVar aggregate classification (germline): Uncertain significance (1 of 4 stars; one submission).

gnomAD v4.1: 6 of 1,599,866 alleles (0.00038%); highest among the groups gnomAD compares: South Asian, 0.0067%; no homozygotes.

Submission:

Labcorp Genetics (formerly Invitae), Labcorp
Classification: Uncertain significance. Last evaluated: 2024-09-19. Review status: criteria provided, single submitter. Criteria: Invitae Variant Classification Sherloc (09022015). Collection method: clinical testing. Allele origin: germline.
Comment: This sequence change replaces lysine, which is basic and polar, with glutamic acid, which is acidic and polar, at codon 403 of the GUCY2C protein (p.Lys403Glu). This variant is present in population databases (no rsID available, gnomAD 0.01%). This variant has not been reported in the literature in individuals affected with GUCY2C-related conditions. Invitae Evidence Modeling of protein sequence and biophysical properties (such as structural, functional, and spatial information, amino acid conservation, physicochemical variation, residue mobility, and thermodynamic stability) indicates that this missense variant is not expected to disrupt GUCY2C protein function with a negative predictive value of 80%. In summary, the available evidence is currently insufficient to determine the role of this variant in disease. Therefore, it has been classified as a Variant of Uncertain Significance.